The following is an entry in ClinVar:

NM_017617.5(NOTCH1):c.448G>A (p.Ala150Thr)

Gene: NOTCH1 (notch receptor 1; minus strand). Cytogenetic location: 9q34.3.
Variant type: single nucleotide variant.
Coding change: c.448G>A on transcript NM_017617.5 (MANE Select); coding-DNA position 448, G replaced by A.
Protein change: p.Ala150Thr; replaces alanine 150 with threonine.
Molecular consequence: missense variant.
Genome position (GRCh38, 1-based): chr9:136,523,144, C>T on the plus strand (G>A on the coding strand, the complement: NOTCH1 is on the minus strand). VCF-style: chr9-136523144-C-T. GRCh37 (hg19) VCF-style: chr9-139417596-C-T.
Other names: short protein forms A150T.
Identifiers: ClinVar variation 949025 (VCV000949025.14), dbSNP rs372660483, ClinGen allele CA5342151.
Genomic context (GRCh38, chr9:136,523,144, plus strand): 5'-AGCTGGGTGGGCAGTGGCAGATGTAGGAGGCCTCGAAGGGCAGGCACTGGCCACCGTTGG[C>T]GCAGGGGTTGGAGGCGCACGGGTCAGCCTGCTGGCACGATTTCCCTGGAGACAAGGGGAC-3'
Protein context (NP_060087.3, residues 140-160): QADPCASNPC[Ala150Thr]NGGQCLPFEA

ClinVar aggregate classification (germline): Conflicting classifications of pathogenicity. Review status: criteria provided, conflicting classifications (1 of 4 stars). 5 submissions from 4 submitters: Uncertain significance (4); Benign (1). Last evaluated 2025-09-06.

Conditions:
Aortic valve disease 1 (AOVD1). Identifiers: MedGen C3887892, MONDO:0024523, OMIM 109730.
Adams-Oliver syndrome 5 (AOS5). Identifiers: Orphanet 974, MedGen C4014970, MONDO:0014459, OMIM 616028.

Allele frequency attached by ClinVar (database versions not stated): gnomAD exomes 0.00001 and 0.00003; gnomAD 0.00005 and 0.00006; ExAC 0.00006; TOPMed 0.00006; ESP Exome Variant Server 0.00016.
gnomAD v4.1: 19 of 1,606,030 alleles (0.0012%); highest among the groups gnomAD compares: African/African-American, 0.015%; no homozygotes.

Submissions (5):

Labcorp Genetics (formerly Invitae), Labcorp
Classification: Benign for Adams-Oliver syndrome 5. Last evaluated: 2025-09-06. Review status: criteria provided, single submitter. Criteria: Invitae Variant Classification Sherloc (09022015). Collection method: clinical testing. Allele origin: germline.

GeneDx
Classification: Uncertain significance. Last evaluated: 2025-05-21. Review status: criteria provided, single submitter. Criteria: GeneDx Variant Classification Process June 2021. Collection method: clinical testing. Allele origin: germline. Affected: yes.
Comment: In silico analysis suggests that this missense variant does not alter protein structure/function; Has not been previously published as pathogenic or benign to our knowledge

Genome-Nilou Lab
Classification: Uncertain significance for Adams-Oliver syndrome 5. Last evaluated: 2022-03-15. Review status: criteria provided, single submitter. Criteria: ACMG Guidelines, 2015. Collection method: clinical testing. Allele origin: germline. Affected: no.

Genome-Nilou Lab
Classification: Uncertain significance for Aortic valve disease 1. Last evaluated: 2022-03-15. Review status: criteria provided, single submitter. Criteria: ACMG Guidelines, 2015. Collection method: clinical testing. Allele origin: germline. Affected: no.

Mayo Clinic Laboratories, Mayo Clinic
Classification: Uncertain significance. Last evaluated: 2020-07-02. Review status: criteria provided, single submitter. Criteria: ACMG Guidelines, 2015. Collection method: clinical testing. Allele origin: germline. Observed: 1 variant allele.